The following is an entry in ClinVar:

NM_003126.4(SPTA1):c.5911-17_5911-8del

Gene: SPTA1 (spectrin alpha, erythrocytic 1; minus strand). Cytogenetic location: 1q23.1.
Variant type: Deletion.
Coding change: c.5911-17_5911-8del on transcript NM_003126.4 (MANE Select); 17 bases into the intron before coding-DNA position 5911 through 8 bases into the intron before coding-DNA position 5911, 10 bases deleted (CTCCTGATCT; older notation c.5911-17_5911-8delCTCCTGATCT).
Molecular consequence: intron variant.
Genome position (GRCh38, 1-based): chr1:158,623,200-158,623,209, AGATCAGGAG deleted on the plus strand (CTCCTGATCT on the coding strand, the reverse complement: SPTA1 is on the minus strand); deleting any 10 consecutive bases within chr1:158,623,200-158,623,212 gives the same sequence; the c. name uses the placement nearest the transcript's 3' end. VCF-style (leftmost placement, unchanged base first): chr1-158623199-AAGATCAGGAG-A. GRCh37 (hg19) VCF-style: chr1-158592989-AAGATCAGGAG-A.
Other names: p.?.
Identifiers: ClinVar variation 292961 (VCV000292961.55), dbSNP rs554241455, ClinGen allele CA1182140.

ClinVar aggregate classification (germline): Likely benign. Review status: criteria provided, multiple submitters, no conflicts (2 of 4 stars). 6 submissions from 6 submitters: Likely benign (6). Last evaluated 2026-08-01.

Conditions:
SPTA1-related disorder. Also called: SPTA1-related disorders; SPTA1-related condition.

Submissions (6):

CeGaT Center for Human Genetics Tuebingen
Classification: Likely benign. Last evaluated: 2026-08-01. Review status: criteria provided, single submitter. Criteria: CeGaT Center For Human Genetics Tuebingen Variant Classification Criteria Version 2. Collection method: clinical testing. Allele origin: germline. Affected: yes. Observed: 10 variant alleles.
Comment: SPTA1: BP4, BS2

Labcorp Genetics (formerly Invitae), Labcorp
Classification: Likely benign. Last evaluated: 2025-12-19. Review status: criteria provided, single submitter. Criteria: Invitae Variant Classification Sherloc (09022015). Collection method: clinical testing. Allele origin: germline.

PreventionGenetics, part of Exact Sciences
Classification: Likely benign for SPTA1-related condition. Last evaluated: 2025-09-10. Review status: criteria provided, single submitter. Criteria: ACMG Guidelines, 2015. Collection method: clinical testing. Allele origin: germline.
Comment: This variant is classified as likely benign based on ACMG/AMP sequence variant interpretation guidelines (Richards et al. 2015 PMID: 25741868, with internal and published modifications).

ARUP Laboratories, Molecular Genetics and Genomics, ARUP Laboratories
Classification: Likely benign. Last evaluated: 2025-06-27. Review status: criteria provided, single submitter. Criteria: ARUP Molecular Germline Variant Investigation Process 2024. Collection method: clinical testing. Allele origin: germline.

Mayo Clinic Laboratories, Mayo Clinic
Classification: Likely benign. Last evaluated: 2025-03-17. Review status: criteria provided, single submitter. Criteria: ACMG Guidelines, 2015. Collection method: clinical testing. Allele origin: germline. Observed: 9 variant alleles.

Blueprint Genetics
Classification: Likely benign. Last evaluated: 2024-11-22. Review status: criteria provided, single submitter. Criteria: ACMG Guidelines, 2015. Collection method: clinical testing. Allele origin: germline.